The following is an entry in ClinVar:

ClinVar aggregate classification (germline): Pathogenic/Likely pathogenic. Review status: criteria provided, multiple submitters, no conflicts (2 of 4 stars). 2 submissions from 2 submitters: Pathogenic (1); Likely pathogenic (1). Last evaluated 2024-09-13.

Conditions:
Hereditary spastic paraplegia. Also called: Familial spastic paraparesis. Identifiers: Orphanet 685, MedGen C0037773, MONDO:0019064. Disease mechanism: loss of function.
Hereditary spastic paraplegia 11. Also called: Spastic paraplegia, mental retardation and thin corpus callosum; Nakamura Osame syndrome; Autosomal recessive hereditary spastic paraplegia, mental impairment, and thin corpus callosum; SPASTIC PARAPLEGIA, AUTOSOMAL RECESSIVE, COMPLICATED, WITH THIN CORPUS CALLOSUM; SPASTIC PARAPLEGIA, AUTOSOMAL RECESSIVE, WITH MENTAL IMPAIRMENT AND THIN CORPUS CALLOSUM; Spastic Paraplegia 11. Identifiers: Orphanet 2822, MedGen C1858479, MONDO:0011445, OMIM 604360.

Submissions (2):

Women's Health and Genetics/Laboratory Corporation of America, LabCorp
Classification: Pathogenic for Hereditary spastic paraplegia. Last evaluated: 2024-09-13. Review status: criteria provided, single submitter. Criteria: LabCorp Variant Classification Summary - May 2015. Collection method: clinical testing. Allele origin: germline.
Comment: Variant summary: SPG11 c.4877_4878delTT (p.Phe1626CysfsX2) results in a premature termination codon, predicted to cause absence of the protein due to nonsense mediated decay, which is a commonly known mechanism for disease. The variant was absent in 251346 control chromosomes. c.4877_4878delTT has been reported in the literature in individuals affected with Hereditary Spastic Paraplegia, Type 11 (Utz2022,Regensburger_2022). To our knowledge, no experimental evidence demonstrating an impact on protein function has been reported. The following publications have been ascertained in the context of this evaluation (PMID: 36432490, 35906604). ClinVar contains an entry for this variant (Variation ID: 931264). Based on the evidence outlined above, the variant was classified as pathogenic.

Centre for Mendelian Genomics, University Medical Centre Ljubljana
Classification: Likely pathogenic for Hereditary spastic paraplegia 11. Last evaluated: 2020-01-31. Review status: criteria provided, single submitter. Criteria: ACMG Guidelines, 2015. Collection method: clinical testing. Allele origin: unknown. Affected: yes.
Comment: This variant was classified as: Likely pathogenic. The following ACMG criteria were applied in classifying this variant: PVS1,PM2.

Literature cited by the submitters: PubMed 36432490 (cited by Women's Health and Genetics/Laboratory Corporation of America, LabCorp); PubMed 35906604 (cited by Women's Health and Genetics/Laboratory Corporation of America, LabCorp).

NM_025137.4(SPG11):c.4877_4878del (p.Phe1626fs)

Gene: SPG11 (SPG11 vesicle trafficking associated, spatacsin; minus strand). Cytogenetic location: 15q21.1.
Variant type: Deletion.
Coding change: c.4877_4878del on transcript NM_025137.4 (MANE Select); coding-DNA positions 4877 to 4878, 2 bases deleted (TT; older notation c.4877_4878delTT).
Protein change: p.Phe1626fs; shifts the reading frame from phenylalanine 1626.
Molecular consequence: frameshift variant.
Genome position (GRCh38, 1-based): chr15:44,589,280-44,589,281, AA deleted on the plus strand (TT on the coding strand, the reverse complement: SPG11 is on the minus strand); deleting any 2 consecutive bases within chr15:44,589,280-44,589,282 gives the same sequence; the c. name uses the placement nearest the transcript's 3' end. VCF-style (leftmost placement, unchanged base first): chr15-44589279-CAA-C. GRCh37 (hg19) VCF-style: chr15-44881477-CAA-C.
Other names: c.4877_4878del, p.Phe1626fs (NM_001160227.2); c.4877_4878delTT (NM_025137.4); short protein forms F1626fs.
Identifiers: ClinVar variation 931264 (VCV000931264.4), dbSNP rs2082842632, ClinGen allele CA1139663874.
Genomic context (GRCh38, chr15:44,589,279, plus strand): 5'-TTAATAGCAACTTAACTGTAAGGATTGTCTTACCATCAGAGAAGAGATGCTCTCTTTCAA[CAA>C]AGAGCTGTAAAAGCTTCCCCAGCTCATACTGGGTCTTACACTGCTGTAGCATAAGCTTCA-3'